The following is an entry in ClinVar:

ClinVar aggregate classification (germline): Uncertain significance. Review status: criteria provided, multiple submitters, no conflicts (2 of 4 stars). 2 submissions from 2 submitters: Uncertain significance (2). Last evaluated 2024-05-01.

Conditions:
Marfan syndrome (MFS). Also called: Marfan syndrome, classic; MARFAN SYNDROME, TYPE I; FBN1-Related Marfan Syndrome; Marfan syndrome type 1; Marfan's syndrome. Identifiers: Orphanet 284963, Orphanet 558, MedGen C0024796, MONDO:0007947, OMIM 154700.
Familial thoracic aortic aneurysm and aortic dissection (TAAD). Also called: Thoracic aortic aneurysms and dissections. Identifiers: Orphanet 91387, MedGen C4707243, MONDO:0019625.

Submissions (2):

CeGaT Center for Human Genetics Tuebingen
Classification: Uncertain significance. Last evaluated: 2024-05-01. Review status: criteria provided, single submitter. Criteria: CeGaT Center For Human Genetics Tuebingen Variant Classification Criteria Version 2. Collection method: clinical testing. Allele origin: germline. Affected: yes. Observed: 1 variant allele.
Comment: FBN1: PM2

Labcorp Genetics (formerly Invitae), Labcorp
Classification: Uncertain significance for Marfan syndrome; Familial thoracic aortic aneurysm and aortic dissection. Last evaluated: 2023-11-25. Review status: criteria provided, single submitter. Criteria: Invitae Variant Classification Sherloc (09022015). Collection method: clinical testing. Allele origin: germline.
Comment: This sequence change replaces glutamic acid, which is acidic and polar, with glycine, which is neutral and non-polar, at codon 1593 of the FBN1 protein (p.Glu1593Gly). This variant is not present in population databases (gnomAD no frequency). This variant has not been reported in the literature in individuals affected with FBN1-related conditions. ClinVar contains an entry for this variant (Variation ID: 2015139). Advanced modeling of protein sequence and biophysical properties (such as structural, functional, and spatial information, amino acid conservation, physicochemical variation, residue mobility, and thermodynamic stability) performed at Invitae indicates that this missense variant is expected to disrupt FBN1 protein function with a positive predictive value of 95%. In summary, the available evidence is currently insufficient to determine the role of this variant in disease. Therefore, it has been classified as a Variant of Uncertain Significance.

NM_000138.5(FBN1):c.4778A>G (p.Glu1593Gly)

Gene: FBN1 (fibrillin 1; minus strand). Cytogenetic location: 15q21.1.
Variant type: single nucleotide variant.
Coding change: c.4778A>G on transcript NM_000138.5 (MANE Select); coding-DNA position 4778, A replaced by G.
Protein change: p.Glu1593Gly; replaces glutamic acid 1593 with glycine.
Molecular consequence: missense variant.
Genome position (GRCh38, 1-based): chr15:48,465,828, T>C on the plus strand (A>G on the coding strand, the complement: FBN1 is on the minus strand). VCF-style: chr15-48465828-T-C. GRCh37 (hg19) VCF-style: chr15-48758025-T-C.
Other names: c.4778A>G, p.Glu1593Gly (NM_001406716.1); short protein forms E1593G.
Identifiers: ClinVar variation 2015139 (VCV002015139.23), dbSNP rs2505497718, ClinGen allele CA392351724.
Genomic context (GRCh38, chr15:48,465,828, plus strand): 5'-AAGACAAAGGAAACACAATTACCTTCCAATATAACGGTGATAGGATTTGGTCGGAAACCT[T>C]CCCCTCCAGGACAAAGAATTTTGTACTCGGCTATTGAAACAAAAATTCAAATTGAGTTGT-3'
Protein context (NP_000129.3, residues 1583-1603): SEYKILCPGG[Glu1593Gly]GFRPNPITVI